The following is an entry in ClinVar:

ClinVar aggregate classification (germline): Pathogenic/Likely pathogenic. Review status: criteria provided, multiple submitters, no conflicts (2 of 4 stars). 2 submissions from 2 submitters: Pathogenic (1); Likely pathogenic (1). Last evaluated 2025-03-11.

Conditions:
KAT6B-related disorder. Also called: KAT6B-related disorders; KAT6B-related condition.
KAT6B-related multiple congenital anomalies syndrome. Identifiers: Orphanet 597749, MedGen C5680266, MONDO:0036042.

Submissions (2):

Victorian Clinical Genetics Services, Murdoch Childrens Research Institute
Classification: Pathogenic for KAT6B-related multiple congenital anomalies syndrome. Last evaluated: 2025-03-11. Review status: criteria provided, single submitter. Criteria: ACMG Guidelines, 2015. Collection method: clinical testing. Allele origin: germline. Affected: yes.
Comment: This variant is classified as Pathogenic. Evidence in support of pathogenic classification: Variant is predicted to cause nonsense-mediated decay (NMD) and loss of protein (premature termination codon is located at least 54 nucleotides upstream of the final exon-exon junction); Variant is absent from gnomAD (v2, v3 and v4); Other NMD-predicted variant(s) comparable to the one identified in this case have very strong previous evidence for pathogenicity (DECIPHER); Additional information: This variant is heterozygous; This gene is associated with autosomal dominant disease; This variant has no previous evidence of pathogenicity; No published segregation evidence has been identified for this variant; No published functional evidence has been identified for this variant; Loss of function and gain of function are likely mechanisms of disease in this gene and are associated with Say-Barber-Biesecker-Young-Simpson syndrome (SBBYSS) (MIM#603736) and genitopatellar syndrome (GPS) (MIM#606170), respectively. These two conditions are referred to as KAT6B-related multiple congenital anomalies syndrome (MONDO:0036042), which also includes individuals with intermediate phenotypes consisting of features of SBBYSS and GPS. NMD-predicted variants have a loss of function mechanism, and are associated with SBBYSS. Truncating variants (PTVs) found in the last exon have been reported for both conditions, and are likely to have both a loss of function and gain of function effect. PTVs found in the proximal end of the final exon have been reported in patients with GPS, while PTVs in the terminal end of the final exon have SBBYSS (PMIDs: 22715153, 32424177).

Blueprint Genetics
Classification: Likely pathogenic for KAT6B-related disorders. Last evaluated: 2024-01-10. Review status: criteria provided, single submitter. Criteria: ACMG Guidelines, 2015. Collection method: clinical testing. Allele origin: germline. Affected: yes. Observed: 1 variant allele.

Literature cited by the submitters: PubMed 22715153 (cited by Victorian Clinical Genetics Services, Murdoch Childrens Research Institute); PubMed 32424177 (cited by Victorian Clinical Genetics Services, Murdoch Childrens Research Institute).

NM_012330.4(KAT6B):c.2960G>A (p.Trp987Ter)

Gene: KAT6B (lysine acetyltransferase 6B; plus strand). Cytogenetic location: 10q22.2.
Variant type: single nucleotide variant.
Coding change: c.2960G>A on transcript NM_012330.4 (MANE Select); coding-DNA position 2960, G replaced by A.
Protein change: p.Trp987Ter; replaces tryptophan 987 with a stop codon.
Molecular consequence: nonsense.
Genome position (GRCh38, 1-based): chr10:75,021,224, G>A. VCF-style: chr10-75021224-G-A. GRCh37 (hg19) VCF-style: chr10-76780982-G-A.
Other names: c.2411G>A, p.Trp804Ter (NM_001256468.2, NM_001370138.1); c.2084G>A, p.Trp695Ter (NM_001256469.2, NM_001370139.1, NM_001370140.1 and 2 more transcripts); c.1922G>A, p.Trp641Ter (NM_001370132.1); c.1271G>A, p.Trp424Ter (NM_001370133.1); c.875G>A, p.Trp292Ter (NM_001370134.1); c.617G>A, p.Trp206Ter (NM_001370135.1); c.2960G>A, p.Trp987Ter (NM_001370136.1, NM_001370137.1); c.1895G>A, p.Trp632Ter (NM_001370143.1, NM_001370144.1); short protein forms W206*, W292*, W424*, W632*, W641*, W695*, W804*, W987*.
Identifiers: ClinVar variation 4531522 (VCV004531522.2).